The following is an entry in ClinVar:

ClinVar aggregate classification (germline): Likely pathogenic (1 of 4 stars; one submission).

Conditions:
CFTR-related disorder (CFTR-RD). Also called: CFTR-related disorders; CFTR-related condition. Identifiers: MedGen C5924204, MONDO:7770004.

Submission:

Natera, Inc.
Classification: Likely pathogenic for CFTR-related disorders. Last evaluated: 2025-09-15. Review status: criteria provided, single submitter. Criteria: Natera Variant Classification Schema (03/2026). Collection method: clinical testing. Allele origin: germline.
Comment: The c.2496del variant in CFTR is a frameshift variant predicted to shift the reading frame beginning at codon 834 and leads to a stop codon 10 codons downstream. This variant is expected to result in nonsense mediated decay, truncation, or a dysfunctional protein product. This variant is rare in the general population with a frequency below the threshold expected for the associated phenotype(s). Given the available evidence, this variant is classified as Likely Pathogenic.

NM_000492.4(CFTR):c.2496del (p.Phe834fs)

Gene: CFTR (CF transmembrane conductance regulator; plus strand). Cytogenetic location: 7q31.2.
Variant type: Deletion.
Coding change: c.2496del on transcript NM_000492.4 (MANE Select); coding-DNA position 2496, one base deleted (C; older notation c.2496delC).
Protein change: p.Phe834fs; shifts the reading frame from phenylalanine 834.
Molecular consequence: frameshift variant.
Genome position (GRCh38, 1-based): chr7:117,594,935, C deleted. VCF-style (leftmost placement, unchanged base first): chr7-117594934-GC-G. GRCh37 (hg19) VCF-style: chr7-117234988-GC-G.
Other names: c.2496delC, p.Phe834Leufs (NM_000492.3); short protein forms F834fs.
Identifiers: ClinVar variation 4818505 (VCV004818505.1).